The following is an entry in ClinVar:

ClinVar aggregate classification (germline): Uncertain significance (1 of 4 stars; one submission).

Allele frequency attached by ClinVar (database versions not stated): gnomAD 0.00001.
gnomAD v4.1: 1 of 1,614,106 alleles (0.000062%); highest among the groups gnomAD compares: Non-Finnish European, 0.000085%; no homozygotes.

Submission:

Labcorp Genetics (formerly Invitae), Labcorp
Classification: Uncertain significance. Last evaluated: 2022-06-13. Review status: criteria provided, single submitter. Criteria: Invitae Variant Classification Sherloc (09022015). Collection method: clinical testing. Allele origin: germline.
Comment: In summary, the available evidence is currently insufficient to determine the role of this variant in disease. Therefore, it has been classified as a Variant of Uncertain Significance. Algorithms developed to predict the effect of sequence changes on RNA splicing suggest that this variant may disrupt the consensus splice site. This variant has not been reported in the literature in individuals affected with SLCO5A1-related conditions. This variant is present in population databases (no rsID available, gnomAD 0.007%). This sequence change affects codon 675 of the SLCO5A1 mRNA. It is a 'silent' change, meaning that it does not change the encoded amino acid sequence of the SLCO5A1 protein. It affects a nucleotide within the consensus splice site.

NM_030958.3(SLCO5A1):c.2023A>C (p.Arg675=)

Gene: SLCO5A1 (solute carrier organic anion transporter family member 5A1; minus strand). Cytogenetic location: 8q13.3.
Variant type: single nucleotide variant.
Coding change: c.2023A>C on transcript NM_030958.3 (MANE Select); coding-DNA position 2023, A replaced by C.
Protein change: p.Arg675=; no amino-acid change (arginine 675 retained).
Molecular consequence: synonymous variant. On other transcripts: missense variant (1).
Genome position (GRCh38, 1-based): chr8:69,679,379, T>G on the plus strand (A>C on the coding strand, the complement: SLCO5A1 is on the minus strand). VCF-style: chr8-69679379-T-G. GRCh37 (hg19) VCF-style: chr8-70591614-T-G.
Other names: c.2023A>C, p.Ser675Arg (NM_001146008.2); c.1858A>C, p.Arg620= (NM_001146009.1); short protein forms S675R.
Identifiers: ClinVar variation 1398029 (VCV001398029.8), dbSNP rs1423592923, ClinGen allele CA371233503.